The following is an entry in ClinVar:

NM_000178.4(GSS):c.941C>T (p.Pro314Leu)

Gene: GSS (glutathione synthetase; minus strand). Cytogenetic location: 20q11.22.
Variant type: single nucleotide variant.
Coding change: c.941C>T on transcript NM_000178.4 (MANE Select); coding-DNA position 941, C replaced by T.
Protein change: p.Pro314Leu; replaces proline 314 with leucine.
Molecular consequence: missense variant.
Genome position (GRCh38, 1-based): chr20:34,932,027, G>A on the plus strand (C>T on the coding strand, the complement: GSS is on the minus strand). VCF-style: chr20-34932027-G-A. GRCh37 (hg19) VCF-style: chr20-33519830-G-A.
Other names: p.Pro314Leu; c.941C>T, p.Pro314Leu (NM_001322494.1, NM_001322495.1); short protein forms P314L.
Identifiers: ClinVar variation 8530 (VCV000008530.27), dbSNP rs75863437, ClinGen allele CA119696.

ClinVar aggregate classification (germline): Conflicting classifications of pathogenicity. Review status: criteria provided, conflicting classifications (1 of 4 stars). 8 submissions from 8 submitters: Uncertain significance (1); Benign (5); Likely benign (2). Last evaluated 2026-02-02.

Conditions:
Glutathione synthetase deficiency with 5-oxoprolinuria. Also called: 5-OXOPROLINURIA DUE TO GLUTATHIONE SYNTHETASE DEFICIENCY; PYROGLUTAMIC ACIDURIA; 5-Oxoprolinuria; Reduced glutathione synthetase level; Gluthathione synthetase deficiency. Identifiers: Orphanet 289846, MedGen C0398746, MONDO:0009947, OMIM 266130, HP:0003343.
Inherited glutathione synthetase deficiency. Identifiers: Orphanet 32, MedGen C5979912, MONDO:0017909.

Allele frequency attached by ClinVar (database versions not stated): gnomAD exomes 0.00034 and 0.00082; ExAC 0.00099; ESP Exome Variant Server 0.00269; gnomAD 0.00273 and 0.00292; TOPMed 0.00327; 1000 Genomes Project 0.00339; 1000 Genomes Project 30x 0.00359.

Submissions (8):

Labcorp Genetics (formerly Invitae), Labcorp
Classification: Benign for Glutathione synthetase deficiency with 5-oxoprolinuria. Last evaluated: 2026-02-02. Review status: criteria provided, single submitter. Criteria: Invitae Variant Classification Sherloc (09022015). Collection method: clinical testing. Allele origin: germline.

ARUP Laboratories, Molecular Genetics and Genomics, ARUP Laboratories
Classification: Benign. Last evaluated: 2025-05-30. Review status: criteria provided, single submitter. Criteria: ARUP Molecular Germline Variant Investigation Process 2024. Collection method: clinical testing. Allele origin: germline.

Mayo Clinic Laboratories, Mayo Clinic
Classification: Likely benign. Last evaluated: 2025-04-21. Review status: criteria provided, single submitter. Criteria: ACMG Guidelines, 2015. Collection method: clinical testing. Allele origin: germline. Observed: 7 variant alleles.

Blueprint Genetics
Classification: Likely benign. Last evaluated: 2024-09-20. Review status: criteria provided, single submitter. Criteria: ACMG Guidelines, 2015. Collection method: clinical testing. Allele origin: germline.

Women's Health and Genetics/Laboratory Corporation of America, LabCorp
Classification: Benign. Last evaluated: 2022-03-22. Review status: criteria provided, single submitter. Criteria: LabCorp Variant Classification Summary - May 2015. Collection method: clinical testing. Allele origin: germline.
Comment: Variant summary: GSS c.941C>T (p.Pro314Leu) results in a non-conservative amino acid change in the encoded protein sequence. Three of five in-silico tools predict a damaging effect of the variant on protein function. The variant allele was found at a frequency of 0.00082 in 251350 control chromosomes, including one homozygote in the general population (gnomAD). The variant occurs predominantly at a frequency of 0.0094 within the African or African-American subpopulation in the gnomAD database, which is approximately 3 fold of the estimated maximal expected allele frequency for a pathogenic variant in GSS causing Glutathione Synthetase Deficiency phenotype (0.003), strongly suggesting that the variant is a benign polymorphism found primarily in populations of African or African-American origin. c.941C>T has been reported in the literature in one individual affected with Glutathione Synthetase Deficiency (Shi_1996), occuring in cis with a second pathogenic variant (GSS c.1139_1144del, p.Val380_Gln381del), providing supporting evidence for a benign role. Experimental evidence evaluating protein function demonstrated the variant does not impact enzyme function in vitro (Njallson_2004) or in a yeast complementation assay (Shi_1996). Four ClinVar submitters have assessed the variant since 2014: one classified the variant as of uncertain significance and three as benign. Based on the evidence outlined above, the variant was classified as benign.

Illumina Laboratory Services, Illumina
Classification: Benign for Glutathione synthetase deficiency with 5-oxoprolinuria. Last evaluated: 2017-04-28. Review status: criteria provided, single submitter. Criteria: ICSL Variant Classification Criteria 13 December 2019. Collection method: clinical testing. Allele origin: germline.
Comment: This variant was observed as part of a predisposition screen in an ostensibly healthy population. A literature search was performed for the gene, cDNA change, and amino acid change (where applicable). Publications were found based on this search. The evidence from the literature, in combination with allele frequency data from public databases where available, was sufficient to rule this variant out of causing disease. Therefore, this variant is classified as benign.

GeneDx
Classification: Benign. Last evaluated: 2017-03-22. Review status: criteria provided, single submitter. Criteria: GeneDx Variant Classification (06012015). Collection method: clinical testing. Allele origin: germline. Affected: yes.
Comment: This variant is considered likely benign or benign based on one or more of the following criteria: it is a conservative change, it occurs at a poorly conserved position in the protein, it is predicted to be benign by multiple in silico algorithms, and/or has population frequency not consistent with disease.

Soonchunhyang University Bucheon Hospital, Soonchunhyang University Medical Center
Classification: Uncertain significance for Glutathione synthetase deficiency with 5-oxoprolinuria. Last evaluated: 2016-03-18. Review status: criteria provided, single submitter. Criteria: ACMG Guidelines, 2015. Collection method: reference population. Allele origin: germline. Observed: 2 variant alleles.

Literature cited by the submitters: PubMed 8896573 (cited by 3 submitters); PubMed 15056072 (cited by 3 submitters); PubMed 11445798 (cited by Women's Health and Genetics/Laboratory Corporation of America, LabCorp and Illumina Laboratory Services, Illumina); PubMed 10369661 (cited by Illumina Laboratory Services, Illumina); PubMed 20981092 (cited by Illumina Laboratory Services, Illumina).